The following is an entry in ClinVar:

NM_004415.4(DSP):c.8471G>C (p.Gly2824Ala)

Gene: DSP (desmoplakin; plus strand). Cytogenetic location: 6p24.3.
Variant type: single nucleotide variant.
Coding change: c.8471G>C on transcript NM_004415.4 (MANE Select); coding-DNA position 8471, G replaced by C.
Protein change: p.Gly2824Ala; replaces glycine 2824 with alanine.
Molecular consequence: missense variant.
Genome position (GRCh38, 1-based): chr6:7,585,733, G>C. VCF-style: chr6-7585733-G-C. GRCh37 (hg19) VCF-style: chr6-7585966-G-C.
Other names: c.6674G>C, p.Gly2225Ala (NM_001008844.3); c.7142G>C, p.Gly2381Ala (NM_001319034.2); short protein forms G2225A, G2381A, G2824A.
Identifiers: ClinVar variation 3386739 (VCV003386739.1).
Genomic context (GRCh38, chr6:7,585,733, plus strand): 5'-AAGCCGCCTCCGTGTCGTCCAAGGGCTTACCCAGCCCTTACAACATGTCTTCGGCTCCGG[G>C]GTCCCGCTCCGGCTCCCGCTCGGGATCTCGCTCCGGATCTCGCTCCGGGTCCCGCAGTGG-3'
Protein context (NP_004406.2, residues 2814-2834): PSPYNMSSAP[Gly2824Ala]SRSGSRSGSR

ClinVar aggregate classification (germline): Uncertain significance (1 of 4 stars; one submission).

Conditions:
Arrhythmogenic cardiomyopathy with wooly hair and keratoderma. Also called: Carvajal syndrome; PALMOPLANTAR KERATODERMA WITH LEFT VENTRICULAR CARDIOMYOPATHY AND WOOLLY HAIR; Dilated cardiomyopathy with woolly hair and keratoderma; Arrhythmogenic cardiomyopathy with woolly hair and keratoderma. Identifiers: Orphanet 65282, MedGen C1854063, MONDO:0011581, OMIM 605676.

gnomAD v4.1: 3 of 1,610,930 alleles (0.00019%); highest among the groups gnomAD compares: African/African-American, 0.004%; no homozygotes.

Submission:

All of Us Research Program, National Institutes of Health
Classification: Uncertain significance for Arrhythmogenic cardiomyopathy with wooly hair and keratoderma. Last evaluated: 2024-07-29. Review status: criteria provided, single submitter. Criteria: ACMG Guidelines, 2015. Collection method: clinical testing. Allele origin: germline. Inheritance: Autosomal dominant inheritance. Observed: 1 variant allele, 1 heterozygote.
Comment: This missense variant replaces glycine with alanine at codon 2824 of the DSP protein. Computational prediction suggests that this variant may not impact protein structure and function (internally defined REVEL score threshold <= 0.5, PMID: 27666373). To our knowledge, functional studies have not been reported for this variant. This variant has not been reported in individuals affected with DSP-related disorders in the literature. This variant has been identified in 1/31388 chromosomes in the general population by the Genome Aggregation Database (gnomAD). The available evidence is insufficient to determine the role of this variant in disease conclusively. Therefore, this variant is classified as a Variant of Uncertain Significance.

This study involves interpretation of variants in research participants for the purpose of population health screening. Participant phenotype was not available at the time of variant classification. Additional details can be found in publication PMID: 35346344, PMCID: PMC8962531